The following is an entry in ClinVar:

ClinVar aggregate classification (germline): Likely benign (1 of 4 stars; one submission).

gnomAD v4.1: 76 of 1,613,912 alleles (0.0047%); highest among the groups gnomAD compares: Non-Finnish European, 0.0064%; no homozygotes.

Submission:

Mayo Clinic Laboratories, Mayo Clinic
Classification: Likely benign. Last evaluated: 2025-09-30. Review status: criteria provided, single submitter. Criteria: ACMG Guidelines, 2015. Collection method: clinical testing. Allele origin: germline. Observed: 1 variant allele.
Comment: BP4, BP7

NM_015378.4(VPS13D):c.2640A>G (p.Pro880=)

Gene: VPS13D (vacuolar protein sorting 13 homolog D; plus strand). Cytogenetic location: 1p36.22.
Variant type: single nucleotide variant.
Coding change: c.2640A>G on transcript NM_015378.4 (MANE Select); coding-DNA position 2640, A replaced by G.
Protein change: p.Pro880=; no amino-acid change (proline 880 retained).
Molecular consequence: synonymous variant.
Genome position (GRCh38, 1-based): chr1:12,276,228, A>G. VCF-style: chr1-12276228-A-G. GRCh37 (hg19) VCF-style: chr1-12336285-A-G.
Other names: p.Pro880=; c.2640A>G, p.Pro880= (NM_018156.4).
Identifiers: ClinVar variation 4684623 (VCV004684623.1).